The following is an entry in ClinVar:

NM_001378615.1(CC2D2A):c.436G>T (p.Glu146Ter)

Genes: CC2D2A (coiled-coil and C2 domain containing 2A; plus strand), FBXL5 (F-box and leucine rich repeat protein 5; minus strand). Cytogenetic location: 4p15.32.
Variant type: single nucleotide variant.
Coding change: c.436G>T on transcript NM_001378615.1 (MANE Select); coding-DNA position 436, G replaced by T.
Protein change: p.Glu146Ter; replaces glutamic acid 146 with a stop codon.
Molecular consequence: nonsense.
Genome position (GRCh38, 1-based): chr4:15,502,921, G>T. VCF-style: chr4-15502921-G-T. GRCh37 (hg19) VCF-style: chr4-15504544-G-T.
Other names: c.436G>T, p.Glu146Ter (NM_001080522.2); c.289G>T, p.Glu97Ter (NM_001378617.1); short protein forms E146*, E97*.
Identifiers: ClinVar variation 2112623 (VCV002112623.4), dbSNP rs2474890606, ClinGen allele CA356408449.
Genomic context (GRCh38, chr4:15,502,921, plus strand): 5'-CCTCGGCCCAGACGCTTACGAAGTCCCAGTAAGAAAGAATTGGAGACTGAATTTGGCACA[G>T]AGGTGAGAAATACCCTCTCTACTTTGTGATCAAAACCAGTAAAGCAGAATATAAAGTTTC-3'

ClinVar aggregate classification (germline): Pathogenic (1 of 4 stars; one submission).

Conditions:
Joubert syndrome. Also called: JOUBERT-BOLTSHAUSER SYNDROME; Familial aplasia of the vermis. Identifiers: Orphanet 475, MedGen C5979921, MONDO:0018772.
Meckel-Gruber syndrome. Also called: DYSENCEPHALIA SPLANCHNOCYSTICA; GRUBER SYNDROME; Dysencephalia splachnocystica. Identifiers: Orphanet 564, MedGen C0265215, MONDO:0018921.

Submission:

Labcorp Genetics (formerly Invitae), Labcorp
Classification: Pathogenic for Joubert syndrome; Meckel-Gruber syndrome. Last evaluated: 2025-06-12. Review status: criteria provided, single submitter. Criteria: Invitae Variant Classification Sherloc (09022015). Collection method: clinical testing. Allele origin: germline.
Comment: This sequence change creates a premature translational stop signal (p.Glu146*) in the CC2D2A gene. It is expected to result in an absent or disrupted protein product. Loss-of-function variants in CC2D2A are known to be pathogenic (PMID: 19777577). This variant is not present in population databases (gnomAD no frequency). This variant has not been reported in the literature in individuals affected with CC2D2A-related conditions. ClinVar contains an entry for this variant (Variation ID: 2112623). For these reasons, this variant has been classified as Pathogenic.

Literature cited by the submitters: PubMed 19777577.